The following is an entry in ClinVar:

NM_001013838.3(CARMIL2):c.2917C>G (p.Leu973Val)

Gene: CARMIL2 (capping protein regulator and myosin 1 linker 2; plus strand). Cytogenetic location: 16q22.1.
Variant type: single nucleotide variant.
Coding change: c.2917C>G on transcript NM_001013838.3 (MANE Select); coding-DNA position 2917, C replaced by G.
Protein change: p.Leu973Val; replaces leucine 973 with valine.
Molecular consequence: missense variant.
Genome position (GRCh38, 1-based): chr16:67,653,051, C>G. VCF-style: chr16-67653051-C-G. GRCh37 (hg19) VCF-style: chr16-67686954-C-G.
Other names: c.2809C>G, p.Leu937Val (NM_001317026.3); short protein forms L973V, L937V.
Identifiers: ClinVar variation 1475812 (VCV001475812.6), dbSNP rs1159934735, ClinGen allele CA396342700.

ClinVar aggregate classification (germline): Uncertain significance (1 of 4 stars; one submission).

Allele frequency attached by ClinVar (database versions not stated): gnomAD 0.00001; TOPMed 0.00002.
gnomAD v4.1: 5 of 1,271,174 alleles (0.00039%); highest among the groups gnomAD compares: African/African-American, 0.0016%; no homozygotes.

Submission:

Labcorp Genetics (formerly Invitae), Labcorp
Classification: Uncertain significance. Last evaluated: 2023-09-23. Review status: criteria provided, single submitter. Criteria: Invitae Variant Classification Sherloc (09022015). Collection method: clinical testing. Allele origin: germline.
Comment: This sequence change replaces leucine, which is neutral and non-polar, with valine, which is neutral and non-polar, at codon 973 of the CARMIL2 protein (p.Leu973Val). In summary, the available evidence is currently insufficient to determine the role of this variant in disease. Therefore, it has been classified as a Variant of Uncertain Significance. An algorithm developed to predict the effect of missense changes on protein structure and function (PolyPhen-2) suggests that this variant is likely to be disruptive. ClinVar contains an entry for this variant (Variation ID: 1475812). This variant has not been reported in the literature in individuals affected with CARMIL2-related conditions. This variant is present in population databases (no rsID available, gnomAD 0.007%).